The following is an entry in ClinVar:

ClinVar aggregate classification (germline): Uncertain significance (1 of 4 stars; one submission).

Allele frequency attached by ClinVar (database versions not stated): ExAC 0.00001; gnomAD exomes 0.00001.
gnomAD v4.1: 3 of 1,612,466 alleles (0.00019%); highest among the groups gnomAD compares: Admixed American, 0.005%; no homozygotes.

Submission:

Ambry Genetics
Classification: Uncertain significance. Last evaluated: 2022-10-22. Review status: criteria provided, single submitter. Criteria: Ambry Variant Classification Scheme 2023. Collection method: clinical testing. Allele origin: germline.
Comment: The p.E409Q variant (also known as c.1225G>C), located in coding exon 11 of the RAD54L gene, results from a G to C substitution at nucleotide position 1225. The glutamic acid at codon 409 is replaced by glutamine, an amino acid with highly similar properties. This amino acid position is conserved. In addition, this alteration is predicted to be deleterious by in silico analysis. Since supporting evidence is limited at this time, the clinical significance of this alteration remains unclear.

NM_003579.4(RAD54L):c.1225G>C (p.Glu409Gln)

Gene: RAD54L (RAD54 like; plus strand). Cytogenetic location: 1p34.1.
Variant type: single nucleotide variant.
Coding change: c.1225G>C on transcript NM_003579.4 (MANE Select); coding-DNA position 1225, G replaced by C.
Protein change: p.Glu409Gln; replaces glutamic acid 409 with glutamine.
Molecular consequence: missense variant.
Genome position (GRCh38, 1-based): chr1:46,272,521, G>C. VCF-style: chr1-46272521-G-C. GRCh37 (hg19) VCF-style: chr1-46738193-G-C.
Other names: c.1225G>C, p.Glu409Gln (NM_001142548.2); c.685G>C, p.Glu229Gln (NM_001370766.1); short protein forms E229Q, E409Q.
Identifiers: ClinVar variation 1754166 (VCV001754166.2), dbSNP rs766398236, ClinGen allele CA834536.
Genomic context (GRCh38, chr1:46,272,521, plus strand): 5'-TCTAGATGCCTGATACGGAGGACTTCTGATATCCTTTCTAAATATCTGCCTGTGAAGATT[G>C]AGCAGGTCGTTTGTTGTAGGTACTGAACTCAACTGAAAGATGTGGAGTGGGTCAAAGCCT-3'
Protein context (NP_003570.2, residues 399-419): ILSKYLPVKI[Glu409Gln]QVVCCRLTPL